The following is an entry in ClinVar:

ClinVar aggregate classification (germline): Uncertain significance (1 of 4 stars; one submission).

Conditions:
Cenani-Lenz syndactyly syndrome. Also called: CENANI SYNDACTYLISM; SYNDACTYLY, TYPE VII. Identifiers: Orphanet 3258, MedGen C1859309, MONDO:0008931, OMIM 212780.
Sclerosteosis 2 (SOST2). Identifiers: Orphanet 3152, MedGen C3280402, MONDO:0013679, OMIM 614305.
Congenital myasthenic syndrome 17. Identifiers: Orphanet 590, MedGen C4225377, MONDO:0014578, OMIM 616304.

Allele frequency attached by ClinVar (database versions not stated): gnomAD exomes below 0.00001; ExAC 0.00001; gnomAD 0.00001; 1000 Genomes Project 0.00020; 1000 Genomes Project 30x 0.00031.
gnomAD v4.1: 4 of 1,614,186 alleles (0.00025%); highest among the groups gnomAD compares: Admixed American, 0.005%; 1 homozygote.

Submission:

Labcorp Genetics (formerly Invitae), Labcorp
Classification: Uncertain significance for Cenani-Lenz syndactyly syndrome; Sclerosteosis 2; Congenital myasthenic syndrome 17. Last evaluated: 2022-08-09. Review status: criteria provided, single submitter. Criteria: Invitae Variant Classification Sherloc (09022015). Collection method: clinical testing. Allele origin: germline.
Comment: In summary, the available evidence is currently insufficient to determine the role of this variant in disease. Therefore, it has been classified as a Variant of Uncertain Significance. Algorithms developed to predict the effect of missense changes on protein structure and function (SIFT, PolyPhen-2, Align-GVGD) all suggest that this variant is likely to be disruptive. ClinVar contains an entry for this variant (Variation ID: 1421527). This variant has not been reported in the literature in individuals affected with LRP4-related conditions. This variant is present in population databases (rs571418643, gnomAD 0.0009%). This sequence change replaces leucine, which is neutral and non-polar, with valine, which is neutral and non-polar, at codon 1457 of the LRP4 protein (p.Leu1457Val).

NM_002334.4(LRP4):c.4369C>G (p.Leu1457Val)

Genes: LRP4 (LDL receptor related protein 4; minus strand), LRP4-AS1 (LRP4 antisense RNA 1; plus strand). Cytogenetic location: 11p11.2.
Variant type: single nucleotide variant.
Coding change: c.4369C>G on transcript NM_002334.4 (MANE Select); coding-DNA position 4369, C replaced by G.
Protein change: p.Leu1457Val; replaces leucine 1457 with valine.
Molecular consequence: missense variant. On other transcripts: non-coding transcript variant (1).
Genome position (GRCh38, 1-based): chr11:46,873,454, G>C on the plus strand (C>G on the coding strand, the complement: LRP4 is on the minus strand). VCF-style: chr11-46873454-G-C. GRCh37 (hg19) VCF-style: chr11-46895005-G-C.
Other names: short protein forms L1457V.
Identifiers: ClinVar variation 1421527 (VCV001421527.6), dbSNP rs571418643, ClinGen allele CA5969352.